The following is an entry in ClinVar:

NM_014290.3(TDRD7):c.854C>T (p.Thr285Met)

Gene: TDRD7 (tudor domain containing 7; plus strand). Cytogenetic location: 9q22.33.
Variant type: single nucleotide variant.
Coding change: c.854C>T on transcript NM_014290.3 (MANE Select); coding-DNA position 854, C replaced by T.
Protein change: p.Thr285Met; replaces threonine 285 with methionine.
Molecular consequence: missense variant.
Genome position (GRCh38, 1-based): chr9:97,441,874, C>T. VCF-style: chr9-97441874-C-T. GRCh37 (hg19) VCF-style: chr9-100204156-C-T.
Other names: c.632C>T, p.Thr211Met (NM_001302884.2); short protein forms T285M, T211M.
Identifiers: ClinVar variation 364065 (VCV000364065.16), dbSNP rs141457141, ClinGen allele CA5146547.

ClinVar aggregate classification (germline): Uncertain significance. Review status: criteria provided, multiple submitters, no conflicts (2 of 4 stars). 4 submissions from 4 submitters: Uncertain significance (4). Last evaluated 2025-08-24.

Conditions:
Cataract 36. Identifiers: MedGen C3151304, MONDO:0013484, OMIM 613887.
Inborn genetic diseases. Identifiers: MedGen C0950123, MeSH D030342.

Allele frequency attached by ClinVar (database versions not stated): gnomAD 0.00012 and 0.00013; TOPMed 0.00016; gnomAD exomes 0.00019; ExAC 0.00021; ESP Exome Variant Server 0.00046.
gnomAD v4.1: 297 of 1,612,768 alleles (0.018%); highest among the groups gnomAD compares: Non-Finnish European, 0.02%; no homozygotes.

Submissions (4):

Ambry Genetics
Classification: Uncertain significance for Inborn genetic diseases. Last evaluated: 2025-08-24. Review status: criteria provided, single submitter. Criteria: Ambry Variant Classification Scheme 2023. Collection method: clinical testing. Allele origin: germline.

Department of Pathology and Laboratory Medicine, Sinai Health System
Classification: Uncertain significance for Cataract 36. Last evaluated: 2021-09-25. Review status: criteria provided, single submitter. Criteria: ACMG Guidelines, 2015. Collection method: research. Allele origin: germline.

Labcorp Genetics (formerly Invitae), Labcorp
Classification: Uncertain significance for Cataract 36. Last evaluated: 2021-07-28. Review status: criteria provided, single submitter. Criteria: Invitae Variant Classification Sherloc (09022015). Collection method: clinical testing. Allele origin: germline.
Comment: In summary, the available evidence is currently insufficient to determine the role of this variant in disease. Therefore, it has been classified as a Variant of Uncertain Significance. Algorithms developed to predict the effect of sequence changes on RNA splicing suggest that this variant may disrupt the consensus splice site. Algorithms developed to predict the effect of missense changes on protein structure and function (SIFT, PolyPhen-2, Align-GVGD) all suggest that this variant is likely to be tolerated. ClinVar contains an entry for this variant (Variation ID: 364065). This variant has not been reported in the literature in individuals affected with TDRD7-related conditions. This variant is present in population databases (rs141457141, ExAC 0.04%). This sequence change replaces threonine with methionine at codon 285 of the TDRD7 protein (p.Thr285Met). The threonine residue is moderately conserved and there is a moderate physicochemical difference between threonine and methionine.

Illumina Laboratory Services, Illumina
Classification: Uncertain significance for Cataract 36. Last evaluated: 2018-01-12. Review status: criteria provided, single submitter. Criteria: ICSL Variant Classification Criteria 13 December 2019. Collection method: clinical testing. Allele origin: germline.